The following is an entry in ClinVar:

NM_002875.5(RAD51):c.661G>A (p.Val221Ile)

Gene: RAD51 (RAD51 recombinase; plus strand). Cytogenetic location: 15q15.1.
Variant type: single nucleotide variant.
Coding change: c.661G>A on transcript NM_002875.5 (MANE Select); coding-DNA position 661, G replaced by A.
Protein change: p.Val221Ile; replaces valine 221 with isoleucine.
Molecular consequence: missense variant.
Genome position (GRCh38, 1-based): chr15:40,729,521, G>A. VCF-style: chr15-40729521-G-A. GRCh37 (hg19) VCF-style: chr15-41021719-G-A.
Other names: c.664G>A, p.Val222Ile (NM_001164269.2, NM_133487.4); c.661G>A, p.Val221Ile (NM_001164270.2); short protein forms V222I, V221I.
Identifiers: ClinVar variation 1754515 (VCV001754515.7), dbSNP rs1010252308, ClinGen allele CA268850487.
Genomic context (GRCh38, chr15:40,729,521, plus strand): 5'-ACACAGGCTAGAAATAGGCTTCAGAGAATCCTTGTTTCCTGTAGGTATGCACTGCTTATT[G>A]TAGACAGTGCCACCGCCCTTTACAGAACAGACTACTCGGGTCGAGGTGAGCTTTCAGCCA-3'
Protein context (NP_002866.2, residues 211-231): MVESRYALLI[Val221Ile]DSATALYRTD

ClinVar aggregate classification (germline): Uncertain significance. Review status: criteria provided, multiple submitters, no conflicts (2 of 4 stars). 2 submissions from 2 submitters: Uncertain significance (2). Last evaluated 2023-09-15.

Conditions:
Inborn genetic diseases. Identifiers: MedGen C0950123, MeSH D030342.

Allele frequency attached by ClinVar (database versions not stated): gnomAD 0.00001; gnomAD exomes 0.00001; TOPMed 0.00001.
gnomAD v4.1: 8 of 1,613,190 alleles (0.0005%); highest among the groups gnomAD compares: Admixed American, 0.0017%; no homozygotes.

Submissions (2):

Ambry Genetics
Classification: Uncertain significance for Inborn genetic diseases. Last evaluated: 2023-09-15. Review status: criteria provided, single submitter. Criteria: Ambry Variant Classification Scheme 2023. Collection method: clinical testing. Allele origin: germline.
Comment: The p.V221I variant (also known as c.661G>A), located in coding exon 7 of the RAD51 gene, results from a G to A substitution at nucleotide position 661. The valine at codon 221 is replaced by isoleucine, an amino acid with highly similar properties. This amino acid position is conserved. In addition, this alteration is predicted to be tolerated by in silico analysis. Since supporting evidence is limited at this time, the clinical significance of this alteration remains unclear.

Labcorp Genetics (formerly Invitae), Labcorp
Classification: Uncertain significance. Last evaluated: 2022-05-03. Review status: criteria provided, single submitter. Criteria: Invitae Variant Classification Sherloc (09022015). Collection method: clinical testing. Allele origin: germline.
Comment: Algorithms developed to predict the effect of missense changes on protein structure and function output the following: SIFT: "Deleterious"; PolyPhen-2: "Benign"; Align-GVGD: "Class C25". The isoleucine amino acid residue is found in multiple mammalian species, which suggests that this missense change does not adversely affect protein function. This variant has not been reported in the literature in individuals affected with RAD51-related conditions. This variant is present in population databases (no rsID available, gnomAD 0.0009%). This sequence change replaces valine, which is neutral and non-polar, with isoleucine, which is neutral and non-polar, at codon 221 of the RAD51 protein (p.Val221Ile). In summary, the available evidence is currently insufficient to determine the role of this variant in disease. Therefore, it has been classified as a Variant of Uncertain Significance.